The following is an entry in ClinVar:

NM_016035.5(COQ4):c.268AGG[1] (p.Arg91del)

Gene: COQ4 (coenzyme Q4; plus strand). Cytogenetic location: 9q34.11.
Variant type: Microsatellite.
Coding change: c.268AGG[1] on transcript NM_016035.5 (MANE Select); one copy of the 3-base unit AGG starting at c.268; the reference has two copies in a row; one copy, 3 bases deleted.
Protein change: p.Arg91del; deletes arginine 91.
Molecular consequence: intron variant (on NM_001305942.2).
Genome position (GRCh38, 1-based): chr9:128,325,211-128,325,213, AGG deleted; deleting any 3 consecutive bases within chr9:128,325,207-128,325,213 gives the same sequence; the position shown is the placement nearest the transcript's 3' end. VCF-style (leftmost placement, unchanged base first): chr9-128325206-TGAG-T. GRCh37 (hg19) VCF-style: chr9-131087485-TGAG-T.
Other names: c.203-568_203-566del (NM_001305942.2); short protein forms R91del.
Identifiers: ClinVar variation 3707035 (VCV003707035.2).
Genomic context (GRCh38, chr9:128,325,206, plus strand): 5'-TGGTCGCAGTTCTAGGGGAGACCACAGGACACCGCACCCTGAAGGTCCTCAGGGACCAGA[TGAG>T]GAGGGATCCAGAGGGTGCCCAGATCCTGCAGTAGGTCCCAGCTCTGCCTGGGGGTCTGGG-3'

ClinVar aggregate classification (germline): Uncertain significance (1 of 4 stars; one submission).

Conditions:
Neonatal encephalomyopathy-cardiomyopathy-respiratory distress syndrome. Also called: Coenzyme Q10 deficiency, primary, 7. Identifiers: Orphanet 457185, MedGen C5568562, MONDO:0014562, OMIM 616276.

Submission:

Labcorp Genetics (formerly Invitae), Labcorp
Classification: Uncertain significance for Neonatal encephalomyopathy-cardiomyopathy-respiratory distress syndrome. Last evaluated: 2024-04-02. Review status: criteria provided, single submitter. Criteria: Invitae Variant Classification Sherloc (09022015). Collection method: clinical testing. Allele origin: germline.
Comment: This variant, c.271_273del, results in the deletion of 1 amino acid(s) of the COQ4 protein (p.Arg91del), but otherwise preserves the integrity of the reading frame. This variant is present in population databases (rs762561620, gnomAD 0.004%). This variant has not been reported in the literature in individuals affected with COQ4-related conditions. Experimental studies and prediction algorithms are not available or were not evaluated, and the functional significance of this variant is currently unknown. In summary, the available evidence is currently insufficient to determine the role of this variant in disease. Therefore, it has been classified as a Variant of Uncertain Significance.